The following is an entry in ClinVar:

NM_003079.5(SMARCE1):c.694_701dup (p.Leu234fs)

Gene: SMARCE1 (SWI/SNF related BAF chromatin remodeling complex subunit E1; minus strand). Cytogenetic location: 17q21.2.
Variant type: Duplication.
Coding change: c.694_701dup on transcript NM_003079.5 (MANE Select); coding-DNA positions 694 to 701, 8 bases duplicated (CAGTCCTT; older notation c.694_701dupCAGTCCTT).
Protein change: p.Leu234fs; shifts the reading frame from leucine 234.
Molecular consequence: frameshift variant.
Genome position (GRCh38, 1-based): chr17:40,632,208-40,632,215, AAGGACTG duplicated on the plus strand (CAGTCCTT on the coding strand, the reverse complement: SMARCE1 is on the minus strand). VCF-style (leftmost placement, unchanged base first): chr17-40632207-T-TAAGGACTG. GRCh37 (hg19) VCF-style: chr17-38788459-T-TAAGGACTG.
Other names: short protein forms L234fs.
Identifiers: ClinVar variation 4724385 (VCV004724385.1).

ClinVar aggregate classification (germline): Pathogenic (1 of 4 stars; one submission).

Conditions:
Familial meningioma. Also called: Meningioma, familial, susceptibility to. Identifiers: Orphanet 263662, MedGen C3551915, MONDO:0011789, OMIM 607174.

Submission:

Labcorp Genetics (formerly Invitae), Labcorp
Classification: Pathogenic for Familial meningioma. Last evaluated: 2025-08-04. Review status: criteria provided, single submitter. Criteria: Invitae Variant Classification Sherloc (09022015). Collection method: clinical testing. Allele origin: germline.
Comment: This sequence change creates a premature translational stop signal (p.Leu234delinsPheSerPro*) in the SMARCE1 gene. It is expected to result in an absent or disrupted protein product. Loss-of-function variants in SMARCE1 are known to be pathogenic (PMID: 23377182). This variant is not present in population databases (gnomAD no frequency). This variant has not been reported in the literature in individuals affected with SMARCE1-related conditions. For these reasons, this variant has been classified as Pathogenic.

Literature cited by the submitters: PubMed 23377182.